The following is an entry in ClinVar:

NM_001042432.2(CLN3):c.47-3C>T

Gene: CLN3 (CLN3 lysosomal/endosomal transmembrane protein, battenin; minus strand). Cytogenetic location: 16p12.1.
Variant type: single nucleotide variant.
Coding change: c.47-3C>T on transcript NM_001042432.2 (MANE Select); 3 bases into the intron before coding-DNA position 47, C replaced by T.
Molecular consequence: intron variant.
Genome position (GRCh38, 1-based): chr16:28,491,563, G>A on the plus strand (C>T on the coding strand, the complement: CLN3 is on the minus strand). VCF-style: chr16-28491563-G-A. GRCh37 (hg19) VCF-style: chr16-28502884-G-A.
Other names: c.-38+151C>T (NM_001286109.2, NM_001286110.2); c.47-3C>T (NM_001286104.2, NM_000086.2); c.-96+151C>T (NM_001286105.2).
Identifiers: ClinVar variation 566426 (VCV000566426.11), dbSNP rs377583228, ClinGen allele CA7981088.
Genomic context (GRCh38, chr16:28,491,563, plus strand): 5'-CAATGCGCGCCCTGATGGTCCAACAGAGGGAGCCGGGGCTCCGGGACGGTCTCCTCCCCT[G>A]GGAGAGCGAGAAGAGGGCATGACCCCCACCTACTCTCAGGTGCACGACCGCTCCTTGCGT-3'

ClinVar aggregate classification (germline): Uncertain significance. Review status: criteria provided, multiple submitters, no conflicts (2 of 4 stars). 4 submissions from 4 submitters: Uncertain significance (4). Last evaluated 2024-10-16.

Conditions:
Neuronal ceroid lipofuscinosis. Also called: Neuronal Ceroid Lipofuscinoses. Identifiers: Orphanet 216, Orphanet 79263, MedGen C0027877, MONDO:0016295. Disease mechanism: loss of function.
Neuronal ceroid lipofuscinosis 3 (CLN3). Identifiers: Orphanet 228346, MedGen C0751383, MONDO:0008767, OMIM 204200.

Allele frequency attached by ClinVar (database versions not stated): TOPMed 0.00002; ExAC 0.00003; gnomAD 0.00003; gnomAD exomes 0.00003; ESP Exome Variant Server 0.00008.

Submissions (4):

Labcorp Genetics (formerly Invitae), Labcorp
Classification: Uncertain significance for Neuronal ceroid lipofuscinosis. Last evaluated: 2024-10-16. Review status: criteria provided, single submitter. Criteria: Invitae Variant Classification Sherloc (09022015). Collection method: clinical testing. Allele origin: germline.
Comment: This sequence change falls in intron 2 of the CLN3 gene. It does not directly change the encoded amino acid sequence of the CLN3 protein. It affects a nucleotide within the consensus splice site. This variant is present in population databases (rs377583228, gnomAD 0.01%). This variant has not been reported in the literature in individuals affected with CLN3-related conditions. ClinVar contains an entry for this variant (Variation ID: 566426). Variants that disrupt the consensus splice site are a relatively common cause of aberrant splicing (PMID: 17576681, 9536098). Algorithms developed to predict the effect of sequence changes on RNA splicing suggest that this variant is not likely to affect RNA splicing. In summary, the available evidence is currently insufficient to determine the role of this variant in disease. Therefore, it has been classified as a Variant of Uncertain Significance.

Blueprint Genetics
Classification: Uncertain significance. Last evaluated: 2024-04-23. Review status: criteria provided, single submitter. Criteria: ACMG Guidelines, 2015. Collection method: clinical testing. Allele origin: germline.

Genome-Nilou Lab
Classification: Uncertain significance for Neuronal ceroid lipofuscinosis 3. Last evaluated: 2021-09-05. Review status: criteria provided, single submitter. Criteria: ACMG Guidelines, 2015. Collection method: clinical testing. Allele origin: germline. Affected: no.

Illumina Laboratory Services, Illumina
Classification: Uncertain significance for Neuronal ceroid lipofuscinosis 3. Last evaluated: 2018-01-13. Review status: criteria provided, single submitter. Criteria: ICSL Variant Classification Criteria 13 December 2019. Collection method: clinical testing. Allele origin: germline.

Literature cited by the submitters: PubMed 17576681 (cited by Labcorp Genetics (formerly Invitae), Labcorp); PubMed 9536098 (cited by Labcorp Genetics (formerly Invitae), Labcorp).